The following is an entry in ClinVar:

ClinVar aggregate classification (germline): Conflicting classifications of pathogenicity. Review status: criteria provided, conflicting classifications (1 of 4 stars). 6 submissions from 6 submitters: Uncertain significance (5); Likely benign (1). Last evaluated 2026-05-29.
ClinVar aggregate classification (oncogenicity): Likely oncogenic (1 of 4 stars; one submission).

Conditions:
KIT-related disorder. Also called: KIT-related condition.
Hereditary cancer-predisposing syndrome. Also called: Neoplastic Syndromes, Hereditary; Tumor predisposition; Hereditary Cancer Syndrome; Hereditary neoplastic syndrome. Identifiers: Orphanet 140162, MedGen C0027672, MeSH D009386, MONDO:0015356.
Gastrointestinal stromal tumor. Also called: Gastrointestinal stroma tumor; Gastrointestinal stromal tumor, somatic. Identifiers: Orphanet 44890, MedGen C0238198, MeSH D046152, MONDO:0011719, OMIM 606764, HP:0100723.
Neoplasm. Also called: Neoplasms; Neoplasm (disease); tumor. Identifiers: MedGen C0027651, MeSH D009369, MONDO:0005070, HP:0002664.

Allele frequency attached by ClinVar (database versions not stated): TOPMed 0.00002; gnomAD 0.00005; gnomAD exomes 0.00006 and 0.00008; ESP Exome Variant Server 0.00008; ExAC 0.00013.
gnomAD v4.1: 92 of 1,613,516 alleles (0.0057%); highest among the groups gnomAD compares: Non-Finnish European, 0.0068%; no homozygotes.

Submissions (7):

Myriad Genetics, Inc.
Classification: Likely benign for Gastrointestinal stromal tumor. Last evaluated: 2026-05-29. Review status: criteria provided, single submitter. Criteria: Myriad Autosomal Dominant, Autosomal Recessive and X-Linked Classification Criteria (2023). Collection method: clinical testing. Allele origin: unknown.
Comment: This variant is considered likely benign. This variant has been observed at a population frequency that is significantly greater than expected given the associated disease prevalence and penetrance.

PreventionGenetics, part of Exact Sciences
Classification: Uncertain significance for KIT-related condition. Last evaluated: 2026-04-07. Review status: criteria provided, single submitter. Criteria: ACMG Guidelines, 2015. Collection method: clinical testing. Allele origin: germline.
Comment: The KIT c.2056C>T variant is predicted to result in the amino acid substitution p.Arg686Cys. This variant was reported in an individual with melanoma, but was also reported at a low frequency in control individuals that were part of the NHLBI GO Exome Sequencing Project (Bourillon et al. 2012. PubMed ID: 23020152). This variant is located in the kinase insert domain which is necessary for KIT autoactivation (Roskoski. 2005. PubMed ID: 16226710). Functional studies indicated that this variant showed a significant decrease in tyrosine phosphorylation and reduced activation by stem cell factor in comparison to wildtype receptors (Bourillon et al. 2012. PubMed ID: 23020152). This variant is reported in 0.017% of alleles in individuals of European (Non-Finnish) descent in gnomAD and is classified as a variant of uncertain significance in ClinVar (Variation ID: 409744). At this time, the clinical significance of this variant is uncertain due to the absence of conclusive functional and genetic evidence.

Labcorp Genetics (formerly Invitae), Labcorp
Classification: Uncertain significance for Gastrointestinal stromal tumor. Last evaluated: 2026-01-19. Review status: criteria provided, single submitter. Criteria: Invitae Variant Classification Sherloc (09022015). Collection method: clinical testing. Allele origin: germline.
Comment: This sequence change replaces arginine, which is basic and polar, with cysteine, which is neutral and slightly polar, at codon 686 of the KIT protein (p.Arg686Cys). This variant is present in population databases (rs148771698, gnomAD 0.02%). This missense change has been observed in individual(s) with melanoma (PMID: 23020152). ClinVar contains an entry for this variant (Variation ID: 409744). An algorithm developed to predict the effect of missense changes on protein structure and function (PolyPhen-2) suggests that this variant is likely to be disruptive. Experimental studies have shown that this missense change affects KIT function (PMID: 23020152). In summary, the available evidence is currently insufficient to determine the role of this variant in disease. Therefore, it has been classified as a Variant of Uncertain Significance.

Center for Genomic Medicine, Rigshospitalet, Copenhagen University Hospital
Classification: Likely oncogenic for Neoplasm. Last evaluated: 2025-12-29. Review status: criteria provided, single submitter. Criteria: ClinGen/CGC/VICC Guidelines for Oncogenicity, 2022. Collection method: clinical testing. Allele origin: somatic. Affected: yes.

Ambry Genetics
Classification: Uncertain significance for Hereditary cancer-predisposing syndrome. Last evaluated: 2024-07-26. Review status: criteria provided, single submitter. Criteria: Ambry Variant Classification Scheme 2023. Collection method: clinical testing. Allele origin: germline.
Comment: The p.R686C variant (also known as c.2056C>T), located in coding exon 14 of the KIT gene, results from a C to T substitution at nucleotide position 2056. The arginine at codon 686 is replaced by cysteine, an amino acid with highly dissimilar properties. This amino acid position is highly conserved in available vertebrate species. In addition, this alteration is predicted to be deleterious by in silico analysis. Since supporting evidence is limited at this time, the clinical significance of this alteration remains unclear.

St. Jude Molecular Pathology, St. Jude Children's Research Hospital
Classification: Uncertain significance for Gastrointestinal stromal tumor. Last evaluated: 2023-12-24. Review status: criteria provided, single submitter. Criteria: St. Jude Assertion Criteria 2020. Collection method: clinical testing. Allele origin: germline.
Comment: The KIT c.2056C>T (p.Arg686Cys) missense change has a maximum subpopulation frequency of 0.017% in gnomAD v2.1.1. The in silico tool REVEL predicts a deleterious effect on protein function, and a functional assay showed reduction in tyrosine phosphorylation (PMID: 23020152). This variant has been reported in an individual with melanoma (PMID: 23020152). To our knowledge, this variant has not been reported in individuals with KIT-related gastrointestinal stromal tumor. In summary, the evidence currently available is insufficient to determine the clinical significance of this variant. It has therefore been classified as of uncertain significance.

GeneDx
Classification: Uncertain significance. Last evaluated: 2023-05-17. Review status: criteria provided, single submitter. Criteria: GeneDx Variant Classification Process June 2021. Collection method: clinical testing. Allele origin: germline. Affected: yes.
Comment: In silico analysis supports that this missense variant has a deleterious effect on protein structure/function; Observed in an individual with melanoma (Bourillon et al., 2013); Published functional studies demonstrate a damaging effect: reduced activation (Bourillon et al., 2013); This variant is associated with the following publications: (PMID: 23020152)

Literature cited by the submitters: PubMed 23020152 (cited by 3 submitters).

NM_000222.3(KIT):c.2056C>T (p.Arg686Cys)

Gene: KIT (KIT proto-oncogene, receptor tyrosine kinase; plus strand). Cytogenetic location: 4q12.
Variant type: single nucleotide variant.
Coding change: c.2056C>T on transcript NM_000222.3 (MANE Select); coding-DNA position 2056, C replaced by T.
Protein change: p.Arg686Cys; replaces arginine 686 with cysteine.
Molecular consequence: missense variant.
Genome position (GRCh38, 1-based): chr4:54,729,400, C>T. VCF-style: chr4-54729400-C-T. GRCh37 (hg19) VCF-style: chr4-55595566-C-T.
Other names: c.2044C>T, p.Arg682Cys (NM_001093772.2, NM_001385286.1); c.2059C>T, p.Arg687Cys (NM_001385284.1, NM_001385290.1); c.2056C>T, p.Arg686Cys (NM_001385285.1); c.2047C>T, p.Arg683Cys (NM_001385288.1, NM_001385292.1); short protein forms R686C, R682C, R683C, R687C.
Identifiers: ClinVar variation 409744 (VCV000409744.28), dbSNP rs148771698, ClinGen allele CA2923637.